The following is an entry in ClinVar:

NM_004447.6(EPS8):c.1653G>A (p.Ser551=)

Gene: EPS8 (EGFR pathway substrate 8, signaling adaptor; minus strand). Cytogenetic location: 12p12.3.
Variant type: single nucleotide variant.
Coding change: c.1653G>A on transcript NM_004447.6 (MANE Select); coding-DNA position 1653, G replaced by A.
Protein change: p.Ser551=; no amino-acid change (serine 551 retained).
Molecular consequence: synonymous variant.
Genome position (GRCh38, 1-based): chr12:15,641,746, C>T on the plus strand (G>A on the coding strand, the complement: EPS8 is on the minus strand). VCF-style: chr12-15641746-C-T. GRCh37 (hg19) VCF-style: chr12-15794680-C-T.
Identifiers: ClinVar variation 509187 (VCV000509187.43), dbSNP rs75362705, ClinGen allele CA6467490.

ClinVar aggregate classification (germline): Benign/Likely benign. Review status: criteria provided, multiple submitters, no conflicts (2 of 4 stars). 5 submissions from 5 submitters: Benign (4); Likely benign (1). Last evaluated 2026-09-01.

Conditions:
Autosomal recessive nonsyndromic hearing loss 102. Also called: Deafness, autosomal recessive 102. Identifiers: Orphanet 90636, MedGen C3892050, MONDO:0014428, OMIM 615974.

Allele frequency attached by ClinVar (database versions not stated): 1000 Genomes Project 0.00240; 1000 Genomes Project 30x 0.00250; gnomAD 0.00284 and 0.00316; TOPMed 0.00349; ESP Exome Variant Server 0.00369; gnomAD exomes 0.00440; ExAC 0.00469.
gnomAD v4.1: 7,090 of 1,578,408 alleles (0.45%); highest among the groups gnomAD compares: Middle Eastern, 1.3%; 33 homozygotes.

Submissions (5):

CeGaT Center for Human Genetics Tuebingen
Classification: Benign. Last evaluated: 2026-09-01. Review status: criteria provided, single submitter. Criteria: CeGaT Center For Human Genetics Tuebingen Variant Classification Criteria Version 2. Collection method: clinical testing. Allele origin: germline. Affected: yes. Observed: 10 variant alleles.
Comment: EPS8: BP4, BP7, BS1, BS2

Labcorp Genetics (formerly Invitae), Labcorp
Classification: Benign. Last evaluated: 2026-01-18. Review status: criteria provided, single submitter. Criteria: Invitae Variant Classification Sherloc (09022015). Collection method: clinical testing. Allele origin: germline.

Fulgent Genetics
Classification: Likely benign for Autosomal recessive nonsyndromic hearing loss 102. Last evaluated: 2021-09-24. Review status: criteria provided, single submitter. Criteria: ACMG Guidelines, 2015. Collection method: clinical testing. Allele origin: unknown.

GeneDx
Classification: Benign. Last evaluated: 2018-12-10. Review status: criteria provided, single submitter. Criteria: GeneDx Variant Classification Process June 2021. Collection method: clinical testing. Allele origin: germline. Affected: yes.

Breakthrough Genomics
Classification: Benign. Review status: criteria provided, single submitter. Criteria: ACMG Guidelines, 2015. Collection method: not provided. Allele origin: germline. Inheritance: Autosomal recessive inheritance. Affected: yes.